The following is an entry in ClinVar:

ClinVar aggregate classification (germline): Uncertain significance (1 of 4 stars; one submission).

Allele frequency attached by ClinVar (database versions not stated): TOPMed below 0.00001; gnomAD 0.00001.
gnomAD v4.1: 2 of 1,612,902 alleles (0.00012%); highest among the groups gnomAD compares: African/African-American, 0.0027%; no homozygotes.

Submission:

Labcorp Genetics (formerly Invitae), Labcorp
Classification: Uncertain significance. Last evaluated: 2022-04-13. Review status: criteria provided, single submitter. Criteria: Invitae Variant Classification Sherloc (09022015). Collection method: clinical testing. Allele origin: germline.
Comment: This sequence change replaces tyrosine, which is neutral and polar, with phenylalanine, which is neutral and non-polar, at codon 389 of the RORB protein (p.Tyr389Phe). The frequency data for this variant in the population databases is considered unreliable, as metrics indicate poor data quality at this position in the gnomAD database. This variant has not been reported in the literature in individuals affected with RORB-related conditions. Algorithms developed to predict the effect of missense changes on protein structure and function (SIFT, PolyPhen-2, Align-GVGD) all suggest that this variant is likely to be tolerated. In summary, the available evidence is currently insufficient to determine the role of this variant in disease. Therefore, it has been classified as a Variant of Uncertain Significance.

NM_006914.4(RORB):c.1166A>T (p.Tyr389Phe)

Gene: RORB (RAR related orphan receptor B; plus strand). Cytogenetic location: 9q21.13.
Variant type: single nucleotide variant.
Coding change: c.1166A>T on transcript NM_006914.4 (MANE Select); coding-DNA position 1166, A replaced by T.
Protein change: p.Tyr389Phe; replaces tyrosine 389 with phenylalanine.
Molecular consequence: missense variant.
Genome position (GRCh38, 1-based): chr9:74,671,843, A>T. VCF-style: chr9-74671843-A-T. GRCh37 (hg19) VCF-style: chr9-77286759-A-T.
Other names: c.1199A>T, p.Tyr400Phe (NM_001365023.1); short protein forms Y389F, Y400F.
Identifiers: ClinVar variation 2056813 (VCV002056813.4), dbSNP rs1233477007, ClinGen allele CA373771714.